The following is an entry in ClinVar:

NC_000016.9:g.(46940888_46943595)_(46965210_?)dup

Gene: GPT2 (glutamic--pyruvic transaminase 2; plus strand). Cytogenetic location: 16q11.2.
Variant type: Duplication.
Identifiers: ClinVar variation 2573343 (VCV002573343.1).

ClinVar aggregate classification (germline): Uncertain significance (1 of 4 stars; one submission).

Submission:

Women's Health and Genetics/Laboratory Corporation of America, LabCorp
Classification: Uncertain significance. Last evaluated: 2023-06-26. Review status: criteria provided, single submitter. Criteria: LabCorp Variant Classification Summary - May 2015. Collection method: clinical testing. Allele origin: germline.
Comment: Variant summary: The variant identified by MLPA or other technology involves the duplication of exons 6-12, which includes the last exon of the GPT2 gene. The exact breakpoint at the 3' end of this variant is unknown and therefore this duplication might extend beyond the assayed region of the GPT2 gene. A presumed nomenclature of c.(576+1_577-1)_(*2301_?)dup has been designated for the purposes of this classification. It has been assumed that this is a tandem duplication in direct orientation (Richardson_GIM_2018, Newman_AJHG_2015). Since the exact breakpoints of this duplication are not known, it is not possible to predict the protein level effect of this duplication. A variant involving the duplication of exons 6-12 together with a segment extending downstream of the gene was found at a frequency of 4.7e-05 in 21492 control chromosomes (i.e. in one heterozygous carrier) in the gnomAD database (structural variants dataset). The available data on variant occurrences in the general population are insufficient to allow any conclusion about variant significance. To our knowledge, no occurrence of c.(576+1_577-1)_(*2301_?)dup in individuals affected with Glutamate Pyruvate Transaminase 2 Deficiency and no experimental evidence demonstrating its impact on protein function have been reported. No submitters have cited clinical-significance assessments for this variant to ClinVar after 2014. Based on the evidence outlined above, the variant was classified as uncertain significance.